The following is an entry in ClinVar:

NM_004369.4(COL6A3):c.3725A>C (p.Gln1242Pro)

Gene: COL6A3 (collagen type VI alpha 3 chain; minus strand). Cytogenetic location: 2q37.3.
Variant type: single nucleotide variant.
Coding change: c.3725A>C on transcript NM_004369.4 (MANE Select); coding-DNA position 3725, A replaced by C.
Protein change: p.Gln1242Pro; replaces glutamine 1242 with proline.
Molecular consequence: missense variant.
Genome position (GRCh38, 1-based): chr2:237,372,292, T>G on the plus strand (A>C on the coding strand, the complement: COL6A3 is on the minus strand). VCF-style: chr2-237372292-T-G. GRCh37 (hg19) VCF-style: chr2-238280935-T-G.
Other names: c.2504A>C, p.Gln835Pro (NM_057164.5); c.3107A>C, p.Gln1036Pro (NM_057165.5, NM_057167.4); c.1904A>C, p.Gln635Pro (NM_057166.5); short protein forms Q1242P, Q635P, Q835P, Q1036P.
Identifiers: ClinVar variation 476519 (VCV000476519.9), dbSNP rs1553559646, ClinGen allele CA351199602.

ClinVar aggregate classification (germline): Uncertain significance (1 of 4 stars; one submission).

Conditions:
Bethlem myopathy 1A. Also called: Bethlem Muscular Dystrophy; MYOPATHY, BENIGN CONGENITAL, WITH CONTRACTURES; Bethlem myopathy 1. Identifiers: Orphanet 610, MedGen CN029274, MONDO:0024530, OMIM 158810.

Allele frequency attached by ClinVar (database versions not stated): TOPMed 0.00001.

Submission:

Labcorp Genetics (formerly Invitae), Labcorp
Classification: Uncertain significance for Bethlem myopathy 1A. Last evaluated: 2017-08-29. Review status: criteria provided, single submitter. Criteria: Invitae Variant Classification Sherloc (09022015). Collection method: clinical testing. Allele origin: germline.
Comment: Algorithms developed to predict the effect of missense changes on protein structure and function do not agree on the potential impact of this missense change (SIFT: "Tolerated"; PolyPhen-2: "Probably Damaging"; Align-GVGD: "Class C0"). This variant has not been reported in the literature in individuals with a COL6A3-related disease. This variant is not present in population databases (ExAC no frequency). This sequence change replaces glutamine with proline at codon 1242 of the COL6A3 protein (p.Gln1242Pro). The glutamine residue is weakly conserved and there is a moderate physicochemical difference between glutamine and proline. In summary, this variant has uncertain impact on COL6A3 function. The available evidence is currently insufficient to determine its role in disease. Therefore, it has been classified as a Variant of Uncertain Significance.